The following is an entry in ClinVar:

ClinVar aggregate classification (germline): Uncertain significance (1 of 4 stars; one submission).

Conditions:
Holocarboxylase synthetase deficiency. Also called: MULTIPLE CARBOXYLASE DEFICIENCY, EARLY ONSET. Identifiers: Orphanet 79242, MedGen C0268581, MONDO:0009666, OMIM 253270.

Allele frequency attached by ClinVar (database versions not stated): TOPMed 0.00001; gnomAD exomes 0.00002; ExAC 0.00005.
gnomAD v4.1: 12 of 1,614,188 alleles (0.00074%); highest among the groups gnomAD compares: Admixed American, 0.017%; no homozygotes.

Submission:

Labcorp Genetics (formerly Invitae), Labcorp
Classification: Uncertain significance for Holocarboxylase synthetase deficiency. Last evaluated: 2022-08-14. Review status: criteria provided, single submitter. Criteria: Invitae Variant Classification Sherloc (09022015). Collection method: clinical testing. Allele origin: germline.
Comment: This sequence change replaces leucine, which is neutral and non-polar, with proline, which is neutral and non-polar, at codon 206 of the HLCS protein (p.Leu206Pro). This variant is present in population databases (rs750774496, gnomAD 0.03%). This variant has not been reported in the literature in individuals affected with HLCS-related conditions. Algorithms developed to predict the effect of missense changes on protein structure and function are either unavailable or do not agree on the potential impact of this missense change (SIFT: "Tolerated"; PolyPhen-2: "Probably Damaging"; Align-GVGD: "Class C0"). In summary, the available evidence is currently insufficient to determine the role of this variant in disease. Therefore, it has been classified as a Variant of Uncertain Significance.

NM_001352514.2(HLCS):c.1058T>C (p.Leu353Pro)

Gene: HLCS (holocarboxylase synthetase; minus strand). Cytogenetic location: 21q22.13.
Variant type: single nucleotide variant.
Coding change: c.1058T>C on transcript NM_001352514.2 (MANE Select); coding-DNA position 1058, T replaced by C.
Protein change: p.Leu353Pro; replaces leucine 353 with proline.
Molecular consequence: missense variant. On other transcripts: non-coding transcript variant (2).
Genome position (GRCh38, 1-based): chr21:36,936,828, A>G on the plus strand (T>C on the coding strand, the complement: HLCS is on the minus strand). VCF-style: chr21-36936828-A-G. GRCh37 (hg19) VCF-style: chr21-38309128-A-G.
Other names: c.617T>C, p.Leu206Pro (NM_000411.8, NM_001242784.3, NM_001242785.2 and 4 more transcripts); short protein forms L206P, L353P.
Identifiers: ClinVar variation 2156005 (VCV002156005.1), dbSNP rs750774496, ClinGen allele CA10020645.